The following is an entry in ClinVar:

NM_022367.4(SEMA4A):c.265A>G (p.Ile89Val)

Gene: SEMA4A (semaphorin 4A; plus strand). Cytogenetic location: 1q22.
Variant type: single nucleotide variant.
Coding change: c.265A>G on transcript NM_022367.4 (MANE Select); coding-DNA position 265, A replaced by G.
Protein change: p.Ile89Val; replaces isoleucine 89 with valine.
Molecular consequence: missense variant. On other transcripts: 5 prime UTR variant (4).
Genome position (GRCh38, 1-based): chr1:156,156,539, A>G. VCF-style: chr1-156156539-A-G. GRCh37 (hg19) VCF-style: chr1-156126330-A-G.
Other names: c.265A>G, p.Ile89Val (NM_001193300.2, NM_001193301.2, NM_001370567.1); c.-33A>G (NM_001193302.2, NM_001370568.1); c.-260A>G (NM_001370569.1, NM_001370571.1); short protein forms I89V.
Identifiers: ClinVar variation 2769136 (VCV002769136.3), dbSNP rs2528120669, ClinGen allele CA342834714.

ClinVar aggregate classification (germline): Uncertain significance (1 of 4 stars; one submission).

Submission:

Labcorp Genetics (formerly Invitae), Labcorp
Classification: Uncertain significance. Last evaluated: 2025-11-10. Review status: criteria provided, single submitter. Criteria: Invitae Variant Classification Sherloc (09022015). Collection method: clinical testing. Allele origin: germline.
Comment: This sequence change replaces isoleucine, which is neutral and non-polar, with valine, which is neutral and non-polar, at codon 89 of the SEMA4A protein (p.Ile89Val). This variant is not present in population databases (gnomAD no frequency). This variant has not been reported in the literature in individuals affected with SEMA4A-related conditions. ClinVar contains an entry for this variant (Variation ID: 2769136). Invitae Evidence Modeling of protein sequence and biophysical properties (such as structural, functional, and spatial information, amino acid conservation, physicochemical variation, residue mobility, and thermodynamic stability) indicates that this missense variant is not expected to disrupt SEMA4A protein function with a negative predictive value of 80%. In summary, the available evidence is currently insufficient to determine the role of this variant in disease. Therefore, it has been classified as a Variant of Uncertain Significance.